The following is an entry in ClinVar:

NM_024577.4(SH3TC2):c.*20564A>T

Genes: SH3TC2 (SH3 domain and tetratricopeptide repeats 2; minus strand), LOC126807546 (P300/CBP strongly-dependent group 1 enhancer GRCh37_chr5:148363540-148364739; plus strand). Cytogenetic location: 5q32.
Variant type: single nucleotide variant.
Coding change: c.*20564A>T on transcript NM_024577.4 (MANE Select); 20564 bases downstream of the stop codon, A replaced by T.
Molecular consequence: 3 prime UTR variant.
Genome position (GRCh38, 1-based): chr5:148,984,147, T>A on the plus strand (A>T on the coding strand, the complement: SH3TC2 is on the minus strand). VCF-style: chr5-148984147-T-A. GRCh37 (hg19) VCF-style: chr5-148363710-T-A.
Identifiers: ClinVar variation 351585 (VCV000351585.6), dbSNP rs150905092, ClinGen allele CA10623104.

ClinVar aggregate classification (germline): Likely benign. Review status: criteria provided, multiple submitters, no conflicts (2 of 4 stars). 3 submissions from 2 submitters: Likely benign (3). Last evaluated 2022-04-17.

Conditions:
Charcot-Marie-Tooth disease type 4C (CMT4C). Also called: CHARCOT-MARIE-TOOTH DISEASE, DEMYELINATING, AUTOSOMAL RECESSIVE, TYPE 4C; CMT 4C; Charcot-Marie-Tooth Neuropathy Type 4C (CMT4C); CHARCOT-MARIE-TOOTH DISEASE, DEMYELINATING, TYPE 4C; SH3TC2-Related Hereditary Motor and Sensory Neuropathy. Identifiers: Orphanet 99949, MedGen C1866636, MONDO:0011113, OMIM 601596.
Susceptibility to mononeuropathy of the median nerve, mild. Also called: CARPAL TUNNEL SYNDROME, SUSCEPTIBILITY TO. Identifiers: MedGen C3150596, MONDO:0013237, OMIM 613353.

Allele frequency attached by ClinVar (database versions not stated): 1000 Genomes Project 0.00339; 1000 Genomes Project 30x 0.00359; TOPMed 0.00396.
gnomAD v4.1: 553 of 152,312 alleles (0.36%); highest among the groups gnomAD compares: African/African-American, 1.1%; 2 homozygotes.

Submissions (3):

GeneDx
Classification: Likely benign. Last evaluated: 2022-04-17. Review status: criteria provided, single submitter. Criteria: GeneDx Variant Classification Process June 2021. Collection method: clinical testing. Allele origin: germline. Affected: yes.

Illumina Laboratory Services, Illumina
Classification: Likely benign for Charcot-Marie-Tooth disease type 4C. Last evaluated: 2018-01-12. Review status: criteria provided, single submitter. Criteria: ICSL Variant Classification Criteria 13 December 2019. Collection method: clinical testing. Allele origin: germline.
Comment: This variant was observed in the ICSL laboratory as part of a predisposition screen in an ostensibly healthy population. It had not been previously curated by ICSL or reported in the Human Gene Mutation Database (HGMD: prior to June 1st, 2018), and was therefore a candidate for classification through an automated scoring system. Utilizing variant allele frequency, disease prevalence and penetrance estimates, and inheritance mode, an automated score was calculated to assess if this variant is too frequent to cause the disease. Based on the score and internal cut-off values, a variant classified as likely benign is not then subjected to further curation. The score for this variant resulted in a classification of likely benign for this disease.

Illumina Laboratory Services, Illumina
Classification: Likely benign for Susceptibility to mononeuropathy of the median nerve, mild. Last evaluated: 2018-01-12. Review status: criteria provided, single submitter. Criteria: ICSL Variant Classification Criteria 13 December 2019. Collection method: clinical testing. Allele origin: germline.
Comment: the same text as in the submission from Illumina Laboratory Services, Illumina above.